The following is an entry in ClinVar:

ClinVar aggregate classification (germline): Uncertain significance (1 of 4 stars; one submission).

Submission:

Labcorp Genetics (formerly Invitae), Labcorp
Classification: Uncertain significance. Last evaluated: 2022-05-03. Review status: criteria provided, single submitter. Criteria: Invitae Variant Classification Sherloc (09022015). Collection method: clinical testing. Allele origin: germline.
Comment: In summary, the available evidence is currently insufficient to determine the role of this variant in disease. Therefore, it has been classified as a Variant of Uncertain Significance. Algorithms developed to predict the effect of sequence changes on RNA splicing suggest that this variant may disrupt the consensus splice site. This variant has not been reported in the literature in individuals affected with CAMK2B-related conditions. This variant is not present in population databases (gnomAD no frequency). This sequence change affects a donor splice site in intron 7 of the CAMK2B gene. It is expected to disrupt RNA splicing. Variants that disrupt the donor or acceptor splice site typically lead to a loss of protein function (PMID: 16199547), however the current clinical and genetic evidence is not sufficient to establish whether loss-of-function variants in CAMK2B cause disease.

Literature cited by the submitters: PubMed 16199547.

NM_001220.5(CAMK2B):c.517+1G>C

Gene: CAMK2B (calcium/calmodulin dependent protein kinase II beta; minus strand). Cytogenetic location: 7p13.
Variant type: single nucleotide variant.
Coding change: c.517+1G>C on transcript NM_001220.5 (MANE Select); the canonical splice donor site of the intron after coding-DNA position 517, G replaced by C.
Molecular consequence: splice donor variant.
Genome position (GRCh38, 1-based): chr7:44,243,424, C>G on the plus strand (G>C on the coding strand, the complement: CAMK2B is on the minus strand). VCF-style: chr7-44243424-C-G. GRCh37 (hg19) VCF-style: chr7-44283023-C-G.
Other names: c.517+1G>C (NM_172084.3, NM_172080.3, NM_172083.3 and 5 more transcripts).
Identifiers: ClinVar variation 2132722 (VCV002132722.4), dbSNP rs2486093381, ClinGen allele CA367365923.